The following is an entry in ClinVar:

NM_001004127.3(ALG11):c.636T>G (p.Asn212Lys)

Gene: ALG11 (ALG11 alpha-1,2-mannosyltransferase; plus strand). Cytogenetic location: 13q14.3.
Variant type: single nucleotide variant.
Coding change: c.636T>G on transcript NM_001004127.3 (MANE Select); coding-DNA position 636, T replaced by G.
Protein change: p.Asn212Lys; replaces asparagine 212 with lysine.
Molecular consequence: missense variant.
Genome position (GRCh38, 1-based): chr13:52,024,366, T>G. VCF-style: chr13-52024366-T-G. GRCh37 (hg19) VCF-style: chr13-52598502-T-G.
Other names: short protein forms N212K.
Identifiers: ClinVar variation 1015385 (VCV001015385.8), dbSNP rs1954216629, ClinGen allele CA388014506.
Genomic context (GRCh38, chr13:52,024,366, plus strand): 5'-AGTTGGAAGCTATGTTCATTATCCTACTATCAGCACCGACATGCTCTCTGTAGTGAAGAA[T>G]CAAAATATTGGATTTAATAATGCAGCCTTCATTACCAGGAATCCTTTTCTCAGCAAAGTA-3'
Protein context (NP_001004127.2, residues 202-222): ISTDMLSVVK[Asn212Lys]QNIGFNNAAF

ClinVar aggregate classification (germline): Uncertain significance (1 of 4 stars; one submission).

Conditions:
ALG11-congenital disorder of glycosylation. Also called: CONGENITAL DISORDER OF GLYCOSYLATION, TYPE Ip; ALG11-CDG. Identifiers: Orphanet 280071, MedGen C3150913, MONDO:0013349, OMIM 613661.

Submission:

Labcorp Genetics (formerly Invitae), Labcorp
Classification: Uncertain significance for ALG11-congenital disorder of glycosylation. Last evaluated: 2022-10-17. Review status: criteria provided, single submitter. Criteria: Invitae Variant Classification Sherloc (09022015). Collection method: clinical testing. Allele origin: germline.
Comment: This variant has not been reported in the literature in individuals affected with ALG11-related conditions. In summary, the available evidence is currently insufficient to determine the role of this variant in disease. Therefore, it has been classified as a Variant of Uncertain Significance. Advanced modeling of protein sequence and biophysical properties (such as structural, functional, and spatial information, amino acid conservation, physicochemical variation, residue mobility, and thermodynamic stability) performed at Invitae indicates that this missense variant is not expected to disrupt ALG11 protein function. ClinVar contains an entry for this variant (Variation ID: 1015385). This variant is not present in population databases (gnomAD no frequency). This sequence change replaces asparagine, which is neutral and polar, with lysine, which is basic and polar, at codon 212 of the ALG11 protein (p.Asn212Lys).